The following is an entry in ClinVar:

ClinVar aggregate classification (germline): Uncertain significance (1 of 4 stars; one submission).

Conditions:
Progressive myoclonic epilepsy type 9. Identifiers: Orphanet 457265, MedGen C4225289, MONDO:0014685, OMIM 616540.
Lipodystrophy, partial, acquired, susceptibility to (APLD). Also called: APLD, SUSCEPTIBILITY TO. Identifiers: MedGen C3887501, MONDO:0100476, OMIM 608709.

Submission:

Labcorp Genetics (formerly Invitae), Labcorp
Classification: Uncertain significance for Progressive myoclonic epilepsy type 9; Lipodystrophy, partial, acquired, susceptibility to. Last evaluated: 2025-08-25. Review status: criteria provided, single submitter. Criteria: Invitae Variant Classification Sherloc (09022015). Collection method: clinical testing. Allele origin: germline.
Comment: This sequence change replaces aspartic acid, which is acidic and polar, with glycine, which is neutral and non-polar, at codon 220 of the LMNB2 protein (p.Asp220Gly). This variant is not present in population databases (gnomAD no frequency). This variant has not been reported in the literature in individuals affected with LMNB2-related conditions. Invitae Evidence Modeling of protein sequence and biophysical properties (such as structural, functional, and spatial information, amino acid conservation, physicochemical variation, residue mobility, and thermodynamic stability) indicates that this missense variant is not expected to disrupt LMNB2 protein function with a negative predictive value of 80%. In summary, the available evidence is currently insufficient to determine the role of this variant in disease. Therefore, it has been classified as a Variant of Uncertain Significance.

NM_032737.4(LMNB2):c.659A>G (p.Asp220Gly)

Gene: LMNB2 (lamin B2; minus strand). Cytogenetic location: 19p13.3.
Variant type: single nucleotide variant.
Coding change: c.659A>G on transcript NM_032737.4 (MANE Select); coding-DNA position 659, A replaced by G.
Protein change: p.Asp220Gly; replaces aspartic acid 220 with glycine.
Molecular consequence: missense variant.
Genome position (GRCh38, 1-based): chr19:2,438,188, T>C on the plus strand (A>G on the coding strand, the complement: LMNB2 is on the minus strand). VCF-style: chr19-2438188-T-C. GRCh37 (hg19) VCF-style: chr19-2438186-T-C.
Other names: short protein forms D220G.
Identifiers: ClinVar variation 4783508 (VCV004783508.1).